The following is an entry in ClinVar:

ClinVar aggregate classification (germline): Conflicting classifications of pathogenicity. Review status: criteria provided, conflicting classifications (1 of 4 stars). 16 submissions from 16 submitters: Uncertain significance (7); Likely benign (5). 4 of the submissions do not count toward it. Last evaluated 2025-12-08.

Conditions:
BRCA2-related cancer predisposition. Identifiers: MedGen CN377758, MONDO:0700269.
Pancreatic cancer, susceptibility to, 2. Identifiers: Orphanet 1333, MedGen C3150546, MONDO:0013235, OMIM 613347.
Glioma susceptibility 3 (GLM3). Also called: Glioblastoma 3. Identifiers: Orphanet 182067, Orphanet 360, MedGen C2751641, MONDO:0013093, OMIM 613029.
Familial prostate cancer. Also called: Hereditary Prostate Cancer. Identifiers: MedGen C2931456, MONDO:0700275, OMIM 176807.
Breast-ovarian cancer, familial, susceptibility to, 2 (BROVCA2). Also called: BRCA2 Hereditary Breast and Ovarian Cancer. Identifiers: Orphanet 145, MedGen C2675520, MONDO:0012933, OMIM 612555. Disease mechanism: loss of function.
Fanconi anemia complementation group D1. Also called: BRCA2-Related Fanconi Anemia. Identifiers: Orphanet 319462, MedGen C1838457, MONDO:0011584, OMIM 605724.
Medulloblastoma (MDB). Also called: Medulloblastoma, somatic; MEDULLOBLASTOMA PREDISPOSITION SYNDROME. Identifiers: Orphanet 616, MedGen C0025149, MeSH D008527, MONDO:0007959, OMIM 155255, HP:0002885.
Wilms tumor 1 (WT1). Also called: Wilms tumor, somatic. Identifiers: Orphanet 654, MedGen CN033288, MONDO:0008679, OMIM 194070.
Familial cancer of breast. Also called: BREAST CANCER, FAMILIAL; hereditary breast carcinoma; Hereditary breast cancer. Identifiers: Orphanet 227535, MedGen C0346153, MONDO:0016419, OMIM 114480. Disease mechanism: loss of function.
Hereditary cancer-predisposing syndrome. Also called: Neoplastic Syndromes, Hereditary; Tumor predisposition; Hereditary Cancer Syndrome; Hereditary neoplastic syndrome. Identifiers: Orphanet 140162, MedGen C0027672, MeSH D009386, MONDO:0015356.
Hereditary breast ovarian cancer syndrome. Also called: Breast and ovarian cancer; Hereditary breast and ovarian cancer; Hereditary breast and ovarian cancer syndrome (HBOC); Hereditary breast and ovarian cancer syndrome; BRCA1- and BRCA2-Associated Hereditary Breast and Ovarian Cancer; Hereditary breast and/or ovarian cancer syndrome. Identifiers: Orphanet 145, MedGen C0677776, MeSH D061325, MONDO:0003582. Disease mechanism: loss of function.

Allele frequency attached by ClinVar (database versions not stated): gnomAD 0.00002; TOPMed 0.00002.
gnomAD v4.1: 23 of 1,604,796 alleles (0.0014%); highest among the groups gnomAD compares: African/African-American, 0.0027%; no homozygotes.

Submissions (16):

Labcorp Genetics (formerly Invitae), Labcorp
Classification: Likely benign for Hereditary breast ovarian cancer syndrome. Last evaluated: 2025-12-08. Review status: criteria provided, single submitter. Criteria: Invitae Variant Classification Sherloc (09022015). Collection method: clinical testing. Allele origin: germline.

Ambry Genetics
Classification: Likely benign for Hereditary cancer-predisposing syndrome. Last evaluated: 2025-11-07. Review status: criteria provided, single submitter. Criteria: Ambry Variant Classification Scheme 2023. Collection method: clinical testing. Allele origin: germline.

CeGaT Center for Human Genetics Tuebingen
Classification: Likely benign. Last evaluated: 2025-11-01. Review status: criteria provided, single submitter. Criteria: CeGaT Center For Human Genetics Tuebingen Variant Classification Criteria Version 2. Collection method: clinical testing. Allele origin: germline. Affected: yes. Observed: 1 variant allele.
Comment: BRCA2: BP4

Quest Diagnostics Nichols Institute San Juan Capistrano
Classification: Uncertain significance. Last evaluated: 2024-10-23. Review status: criteria provided, single submitter. Criteria: Quest Diagnostics criteria. Collection method: clinical testing. Allele origin: unknown.
Comment: The BRCA2 c.1817C>T (p.Pro606Leu) variant has been reported in the published literature in individuals with breast cancer (PMIDs: 33471991 (2021), 33875706 (2021), 30415210 (2018), see also LOVD), as well as in reportedly healthy individuals (PMIDs: 33471991 (2021), 32467295 (2020), see also LOVD). This variant has not been reported in large, multi-ethnic general populations (Genome Aggregation Database). Analysis of this variant using bioinformatics tools for the prediction of the effect of amino acid changes on protein structure and function yielded predictions that this variant is benign. Based on the available information, we are unable to determine the clinical significance of this variant.

St. Jude Molecular Pathology, St. Jude Children's Research Hospital
Classification: Uncertain significance for Breast-ovarian cancer, familial, susceptibility to, 2. Last evaluated: 2024-06-23. Review status: criteria provided, single submitter. Criteria: St. Jude Assertion Criteria 2020. Collection method: clinical testing. Allele origin: germline.
Comment: The BRCA2 c.1817C>T (p.Pro606Leu) missense change is absent in gnomAD v2.1.1. The in silico tool REVEL predicts a benign effect on protein function, but to our knowledge this prediction has not been confirmed by functional studies. To our knowledge, this variant has not been reported as pathogenic in individuals with BRCA2-related disease. In summary, the evidence currently available is insufficient to determine the clinical significance of this variant. It has therefore been classified as of uncertain significance.

All of Us Research Program, National Institutes of Health
Classification: Uncertain significance for BRCA2-related cancer predisposition. Last evaluated: 2024-05-30. Review status: criteria provided, single submitter. Criteria: ACMG Guidelines, 2015. Collection method: clinical testing. Allele origin: germline. Inheritance: Autosomal dominant inheritance. Observed: 6 variant alleles, 6 heterozygotes.
Comment: This missense variant replaces proline with leucine at codon 606 of the BRCA2 protein. Computational prediction suggests that this variant may not impact protein structure and function (internally defined REVEL score threshold <= 0.5, PMID: 27666373). To our knowledge, functional studies have not been reported for this variant. This variant has been reported in individuals affected with breast cancer (PMID: 33875706, 33471991). In a large breast cancer case-control meta analysis conducted by the BRIDGES consortium, this variant was reported in 2/60466 cases and 3/53461 unaffected controls (OR=0.589 (95%CI 0.098 to 3.528); p-value=0.671) (PMID: 33471991; Leiden Open Variation Database DB-ID BRCA2_000641). This variant has not been identified in the general population by the Genome Aggregation Database (gnomAD). The available evidence is insufficient to determine the role of this variant in disease conclusively. Therefore, this variant is classified as a Variant of Uncertain Significance.

This study involves interpretation of variants in research participants for the purpose of population health screening. Participant phenotype was not available at the time of variant classification. Additional details can be found in publication PMID: 35346344, PMCID: PMC8962531

Color Diagnostics, LLC DBA Color Health
Classification: Uncertain significance for Hereditary cancer-predisposing syndrome. Last evaluated: 2024-05-14. Review status: criteria provided, single submitter. Criteria: ACMG Guidelines, 2015. Collection method: clinical testing. Allele origin: germline.
Comment: This missense variant replaces proline with leucine at codon 606 of the BRCA2 protein. Computational prediction suggests that this variant may not impact protein structure and function. To our knowledge, functional studies have not been reported for this variant. This variant has been reported in individuals affected with breast cancer (PMID: 33875706, 33471991). In a large breast cancer case-control meta analysis conducted by the BRIDGES consortium, this variant was reported in 2/60466 cases and 3/53461 unaffected controls (OR=0.589 (95%CI 0.098 to 3.528); p-value=0.671) (PMID: 33471991; Leiden Open Variation Database DB-ID BRCA2_000641). This variant has not been identified in the general population by the Genome Aggregation Database (gnomAD). The available evidence is insufficient to determine the role of this variant in disease conclusively. Therefore, this variant is classified as a Variant of Uncertain Significance.

Fulgent Genetics
Classification: Uncertain significance for Familial cancer of breast; Medulloblastoma; Familial prostate cancer; Wilms tumor 1; Fanconi anemia complementation group D1; Breast-ovarian cancer, familial, susceptibility to, 2; Glioma susceptibility 3; Pancreatic cancer, susceptibility to, 2. Last evaluated: 2024-01-23. Review status: criteria provided, single submitter. Criteria: ACMG Guidelines, 2015. Collection method: clinical testing. Allele origin: germline.

Department of Pathology and Laboratory Medicine, Sinai Health System
Classification: Likely benign for BRCA2-related cancer predisposition. Last evaluated: 2024-01-22. Review status: criteria provided, single submitter. Criteria: ACMG Guidelines, 2015. Collection method: clinical testing. Allele origin: germline.

GeneDx
Classification: Uncertain significance. Last evaluated: 2024-01-22. Review status: criteria provided, single submitter. Criteria: GeneDx Variant Classification Process June 2021. Collection method: clinical testing. Allele origin: germline. Affected: yes.
Comment: Observed in an individual with a personal history of breast cancer in published literature (PMID: 33875706); Classified as likely benign by a multifactorial analysis incorporating data on co-occurrence, personal and family history, and tumor characteristics (PMID: 30415210); In silico analysis supports that this missense variant does not alter protein structure/function; Not observed at significant frequency in large population cohorts (gnomAD); Also known as 2045C>T; This variant is associated with the following publications: (PMID: 10923033, 33054725, 30415210, 33875706)

University of Washington Department of Laboratory Medicine, University of Washington
Classification: Likely benign for Hereditary cancer-predisposing syndrome. Last evaluated: 2023-03-23. Review status: criteria provided, single submitter. Criteria: Dines et al. (Genet Med. 2020). Collection method: curation. Allele origin: germline.
Comment: Missense variant in a coldspot region where missense variants are very unlikely to be pathogenic (PMID:31911673).

BRCA2 exon 10 coldspot. Reclassification based on statistical prior probability.

Women's Health and Genetics/Laboratory Corporation of America, LabCorp
Classification: Uncertain significance. Last evaluated: 2023-01-16. Review status: criteria provided, single submitter. Criteria: LabCorp Variant Classification Summary - May 2015. Collection method: clinical testing. Allele origin: germline.
Comment: Variant summary: BRCA2 c.1817C>T (p.Pro606Leu) results in a non-conservative amino acid change in the encoded protein sequence. Three of five in-silico tools predict a benign effect of the variant on protein function. The variant was absent in 240588 control chromosomes (gnomAD). The available data on variant occurrences in the general population are insufficient to allow any conclusion about variant significance. c.1817C>T has been reported in the literature as a likely benign variant in individuals affected with breast cancer (example, Lee_2018). These report(s) do not provide unequivocal conclusions about association of the variant with Hereditary Breast And Ovarian Cancer Syndrome. Multiple co-occurrences with another pathogenic variant have been reported (BRCA2 c.1819A>T, p.Lys607*), providing supporting evidence for a benign role. Five clinical diagnostic laboratories have submitted clinical-significance assessments for this variant to ClinVar after 2014 and classified the variant as (likely benign, n=1; VUS, n=4). Based on the evidence outlined above, the variant was classified as VUS-possibly benign.

BRCAlab, Lund University
Classification: Uncertain significance for Breast-ovarian cancer, familial, susceptibility to, 2. Last evaluated: 2020-03-02. Review status: no assertion criteria provided. Collection method: clinical testing. Allele origin: germline. Affected: yes. Not counted in ClinVar's aggregate classification.

Counsyl
Classification: Uncertain significance for Breast-ovarian cancer, familial, susceptibility to, 2. Last evaluated: 2018-05-17. Review status: no assertion criteria provided. Collection method: clinical testing. Allele origin: unknown. Not counted in ClinVar's aggregate classification.

Sharing Clinical Reports Project (SCRP)
Classification: Uncertain significance for Breast-ovarian cancer, familial 2. Last evaluated: 2009-12-23. Review status: no assertion criteria provided. Collection method: clinical testing. Allele origin: germline. Not counted in ClinVar's aggregate classification.

Breast Cancer Information Core (BIC) (BRCA2)
Classification: Uncertain significance for Breast-ovarian cancer, familial 2. Last evaluated: 2002-05-29. Review status: no assertion criteria provided. Collection method: clinical testing. Allele origin: germline. Affected: yes. Observed: 4 variant alleles. Not counted in ClinVar's aggregate classification.

Literature cited by the submitters: PubMed 30415210 (cited by 4 submitters); PubMed 33875706 (cited by 4 submitters); PubMed 33471991 (cited by 4 submitters); PubMed 32467295 (cited by Quest Diagnostics Nichols Institute San Juan Capistrano and Department of Pathology and Laboratory Medicine, Sinai Health System); PubMed 33054725 (cited by Quest Diagnostics Nichols Institute San Juan Capistrano).

NM_000059.4(BRCA2):c.1817C>T (p.Pro606Leu)

Gene: BRCA2 (BRCA2 DNA repair associated; plus strand). Cytogenetic location: 13q13.1.
Variant type: single nucleotide variant.
Coding change: c.1817C>T on transcript NM_000059.4 (MANE Select); coding-DNA position 1817, C replaced by T.
Protein change: p.Pro606Leu; replaces proline 606 with leucine.
Molecular consequence: missense variant.
Genome position (GRCh38, 1-based): chr13:32,333,295, C>T. VCF-style: chr13-32333295-C-T. GRCh37 (hg19) VCF-style: chr13-32907432-C-T.
Other names: 2045C>T; short protein forms P606L.
Identifiers: ClinVar variation 51206 (VCV000051206.48), dbSNP rs80358469, ClinGen allele CA013443.